The following is an entry in ClinVar:

NM_001277115.2(DNAH11):c.3734C>T (p.Thr1245Ile)

Gene: DNAH11 (dynein axonemal heavy chain 11; plus strand). Cytogenetic location: 7p15.3.
Variant type: single nucleotide variant.
Coding change: c.3734C>T on transcript NM_001277115.2 (MANE Select); coding-DNA position 3734, C replaced by T.
Protein change: p.Thr1245Ile; replaces threonine 1245 with isoleucine.
Molecular consequence: missense variant.
Genome position (GRCh38, 1-based): chr7:21,606,511, C>T. VCF-style: chr7-21606511-C-T. GRCh37 (hg19) VCF-style: chr7-21646129-C-T.
Other names: short protein forms T1245I.
Identifiers: ClinVar variation 1390100 (VCV001390100.8), dbSNP rs1477380706, ClinGen allele CA366948042.
Genomic context (GRCh38, chr7:21,606,511, plus strand): 5'-CCAAAAAGATCGCAGCAACTGTCAGACATGAAGTCTCACCTCTCCATAATGCGGAAGTCA[C>T]TCTTATAAGGAAAAAATGTATTTTGTTTGACGTAAGCTAGTTACCAAGTTTTTGTTTTAA-3'
Protein context (NP_001264044.1, residues 1235-1255): EVSPLHNAEV[Thr1245Ile]LIRKKCILFD

ClinVar aggregate classification (germline): Uncertain significance (1 of 4 stars; one submission).

Conditions:
Primary ciliary dyskinesia. Also called: Ciliary dyskinesia. Identifiers: Orphanet 244, MedGen C0008780, MONDO:0016575, HP:0012265.

Submission:

Labcorp Genetics (formerly Invitae), Labcorp
Classification: Uncertain significance for Primary ciliary dyskinesia. Last evaluated: 2021-07-15. Review status: criteria provided, single submitter. Criteria: Invitae Variant Classification Sherloc (09022015). Collection method: clinical testing. Allele origin: germline.
Comment: This sequence change replaces threonine with isoleucine at codon 1245 of the DNAH11 protein (p.Thr1245Ile). The threonine residue is moderately conserved and there is a moderate physicochemical difference between threonine and isoleucine. This variant is not present in population databases (ExAC no frequency). This variant has not been reported in the literature in individuals affected with DNAH11-related conditions. Advanced modeling of protein sequence and biophysical properties (such as structural, functional, and spatial information, amino acid conservation, physicochemical variation, residue mobility, and thermodynamic stability) performed at Invitae indicates that this missense variant is not expected to disrupt DNAH11 protein function. In summary, the available evidence is currently insufficient to determine the role of this variant in disease. Therefore, it has been classified as a Variant of Uncertain Significance.